The following is an entry in ClinVar:

NM_000535.7(PMS2):c.2185C>G (p.Leu729Val)

Gene: PMS2 (PMS1 homolog 2, mismatch repair system component; minus strand). Cytogenetic location: 7p22.1.
Variant type: single nucleotide variant.
Coding change: c.2185C>G on transcript NM_000535.7 (MANE Select); coding-DNA position 2185, C replaced by G.
Protein change: p.Leu729Val; replaces leucine 729 with valine.
Molecular consequence: missense variant. On other transcripts: non-coding transcript variant (1).
Genome position (GRCh38, 1-based): chr7:5,978,686, G>C on the plus strand (C>G on the coding strand, the complement: PMS2 is on the minus strand). VCF-style: chr7-5978686-G-C. GRCh37 (hg19) VCF-style: chr7-6018317-G-C.
Other names: c.1780C>G, p.Leu594Val (NM_001322003.2, NM_001322004.2, NM_001322005.2 and 1 more transcripts); c.2029C>G, p.Leu677Val (NM_001322006.2); c.1867C>G, p.Leu623Val (NM_001322007.2, NM_001322008.2); c.1624C>G, p.Leu542Val (NM_001322010.2); c.1252C>G, p.Leu418Val (NM_001322011.2, NM_001322012.2); c.1612C>G, p.Leu538Val (NM_001322013.2); c.2185C>G, p.Leu729Val (NM_001322014.2); c.1876C>G, p.Leu626Val (NM_001322015.2); short protein forms L729V, L538V, L626V, L677V, L418V, L594V, L542V, L623V.
Identifiers: ClinVar variation 455690 (VCV000455690.12), dbSNP rs1554294503, ClinGen allele CA366736952.

ClinVar aggregate classification (germline): Uncertain significance. Review status: criteria provided, multiple submitters, no conflicts (2 of 4 stars). 5 submissions from 5 submitters: Uncertain significance (5). Last evaluated 2025-03-18.

Conditions:
Hereditary nonpolyposis colorectal neoplasms. Identifiers: MedGen C0009405, MeSH D003123.
Hereditary cancer-predisposing syndrome. Also called: Hereditary Cancer Syndrome; Hereditary neoplastic syndrome; Neoplastic Syndromes, Hereditary; Tumor predisposition. Identifiers: Orphanet 140162, MedGen C0027672, MeSH D009386, MONDO:0015356.
Lynch syndrome 4 (LYNCH4). Also called: Colorectal cancer, hereditary nonpolyposis, type 4; Hereditary non-polyposis colorectal cancer, type 4. Identifiers: Orphanet 144, MedGen C1838333, MONDO:0013699, OMIM 614337. Disease mechanism: loss of function.

Submissions (5):

Ambry Genetics
Classification: Uncertain significance for Hereditary cancer-predisposing syndrome. Last evaluated: 2025-03-18. Review status: criteria provided, single submitter. Criteria: Ambry Variant Classification Scheme 2023. Collection method: clinical testing. Allele origin: germline.
Comment: The p.L729V variant (also known as c.2185C>G), located in coding exon 13 of the PMS2 gene, results from a C to G substitution at nucleotide position 2185. The leucine at codon 729 is replaced by valine, an amino acid with highly similar properties. This amino acid position is highly conserved in available vertebrate species. In addition, this alteration is predicted to be deleterious by in silico analysis. Since supporting evidence is limited at this time, the clinical significance of this alteration remains unclear.

Labcorp Genetics (formerly Invitae), Labcorp
Classification: Uncertain significance for Hereditary nonpolyposis colorectal neoplasms. Last evaluated: 2024-08-22. Review status: criteria provided, single submitter. Criteria: Invitae Variant Classification Sherloc (09022015). Collection method: clinical testing. Allele origin: germline.
Comment: This sequence change replaces leucine, which is neutral and non-polar, with valine, which is neutral and non-polar, at codon 729 of the PMS2 protein (p.Leu729Val). The frequency data for this variant in the population databases (gnomAD) is considered unreliable due to the presence of homologous sequence, such as pseudogenes or paralogs, in the genome. This variant has not been reported in the literature in individuals affected with PMS2-related conditions. ClinVar contains an entry for this variant (Variation ID: 455690). Invitae Evidence Modeling of protein sequence and biophysical properties (such as structural, functional, and spatial information, amino acid conservation, physicochemical variation, residue mobility, and thermodynamic stability) indicates that this missense variant is expected to disrupt PMS2 protein function with a positive predictive value of 80%. In summary, the available evidence is currently insufficient to determine the role of this variant in disease. Therefore, it has been classified as a Variant of Uncertain Significance.

Color Diagnostics, LLC DBA Color Health
Classification: Uncertain significance for Hereditary cancer-predisposing syndrome. Last evaluated: 2024-07-30. Review status: criteria provided, single submitter. Criteria: ACMG Guidelines, 2015. Collection method: clinical testing. Allele origin: germline.
Comment: This missense variant replaces leucine with valine at codon 729 of the PMS2 protein. Computational prediction suggests that this variant may have deleterious impact on protein structure and function (internally defined REVEL score threshold >= 0.7, PMID: 27666373). To our knowledge, functional studies have not been reported for this variant. This variant has not been reported in individuals affected with PMS2-related disorders in the literature. This variant has not been identified in the general population by the Genome Aggregation Database (gnomAD). The available evidence is insufficient to determine the role of this variant in disease conclusively. Therefore, this variant is classified as a Variant of Uncertain Significance.

Baylor Genetics
Classification: Uncertain significance for Lynch syndrome 4. Last evaluated: 2023-12-25. Review status: criteria provided, single submitter. Criteria: ACMG Guidelines, 2015. Collection method: clinical testing. Allele origin: unknown.

Women's Health and Genetics/Laboratory Corporation of America, LabCorp
Classification: Uncertain significance. Last evaluated: 2022-02-10. Review status: criteria provided, single submitter. Criteria: LabCorp Variant Classification Summary - May 2015. Collection method: clinical testing. Allele origin: germline.
Comment: Variant summary: PMS2 c.2185C>G (p.Leu729Val) results in a conservative amino acid change located in the MutL, C-terminal, dimerisation domain (IPR014790) of the encoded protein sequence. Four of five in-silico tools predict a damaging effect of the variant on protein function. The variant was absent in 235588 control chromosomes (gnomAD). The available data on variant occurrences in the general population are insufficient to allow any conclusion about variant significance. To our knowledge, no occurrence of c.2185C>G in individuals affected with Hereditary Nonpolyposis Colorectal Cancer and no experimental evidence demonstrating its impact on protein function have been reported. A ClinVar submitter (evaluation after 2014) cites the variant as uncertain significance. Based on the evidence outlined above, the variant was classified as uncertain significance.